The following is an entry in ClinVar:

NM_000081.4(LYST):c.3205C>T (p.His1069Tyr)

Gene: LYST (lysosomal trafficking regulator; minus strand). Cytogenetic location: 1q42.3.
Variant type: single nucleotide variant.
Coding change: c.3205C>T on transcript NM_000081.4 (MANE Select); coding-DNA position 3205, C replaced by T.
Protein change: p.His1069Tyr; replaces histidine 1069 with tyrosine.
Molecular consequence: missense variant.
Genome position (GRCh38, 1-based): chr1:235,805,931, G>A on the plus strand (C>T on the coding strand, the complement: LYST is on the minus strand). VCF-style: chr1-235805931-G-A. GRCh37 (hg19) VCF-style: chr1-235969231-G-A.
Other names: c.3205C>T, p.His1069Tyr (NM_001301365.1); short protein forms H1069Y.
Identifiers: ClinVar variation 2059839 (VCV002059839.5), dbSNP rs367847122, ClinGen allele CA1467122.
Genomic context (GRCh38, chr1:235,805,931, plus strand): 5'-TTGCTTCCTCGGGAGCGGCTTCAGTAGCTGAAACTTCTTCCACATTTATGGAAGAAATAT[G>A]CTGTAACTCTAATTTACCTAAACTGTCAGCACTCTTTTTTAGACTACCTAGTTCTGATGG-3'
Protein context (NP_000072.2, residues 1059-1079): ADSLGKLELQ[His1069Tyr]ISSINVEEVS

ClinVar aggregate classification (germline): Uncertain significance. Review status: criteria provided, multiple submitters, no conflicts (2 of 4 stars). 2 submissions from 2 submitters: Uncertain significance (2). Last evaluated 2025-08-23.

Conditions:
Chédiak-Higashi syndrome (CHS). Also called: Chediak-Higashi Syndrome. Identifiers: Orphanet 167, MedGen C0007965, MONDO:0008963, OMIM 214500.

Allele frequency attached by ClinVar (database versions not stated): ExAC 0.00001; gnomAD exomes 0.00001; TOPMed 0.00005; ESP Exome Variant Server 0.00008; gnomAD 0.00009.
gnomAD v4.1: 21 of 1,613,614 alleles (0.0013%); highest among the groups gnomAD compares: African/African-American, 0.028%; no homozygotes.

Submissions (2):

Labcorp Genetics (formerly Invitae), Labcorp
Classification: Uncertain significance for Chédiak-Higashi syndrome. Last evaluated: 2025-08-23. Review status: criteria provided, single submitter. Criteria: Invitae Variant Classification Sherloc (09022015). Collection method: clinical testing. Allele origin: germline.
Comment: This sequence change replaces histidine, which is basic and polar, with tyrosine, which is neutral and polar, at codon 1069 of the LYST protein (p.His1069Tyr). This variant is present in population databases (rs367847122, gnomAD 0.03%). This variant has not been reported in the literature in individuals affected with LYST-related conditions. ClinVar contains an entry for this variant (Variation ID: 2059839). An algorithm developed to predict the effect of missense changes on protein structure and function (PolyPhen-2) suggests that this variant is likely to be tolerated. In summary, the available evidence is currently insufficient to determine the role of this variant in disease. Therefore, it has been classified as a Variant of Uncertain Significance.

Revvity Omics, Revvity
Classification: Uncertain significance for Chédiak-Higashi syndrome. Last evaluated: 2019-06-03. Review status: criteria provided, single submitter. Criteria: ACMG Guidelines, 2015. Collection method: clinical testing. Allele origin: germline.